The following is an entry in ClinVar:

ClinVar aggregate classification (germline): Uncertain significance. Review status: criteria provided, multiple submitters, no conflicts (2 of 4 stars). 2 submissions from 2 submitters: Uncertain significance (2). Last evaluated 2024-02-19.

Submissions (2):

Labcorp Genetics (formerly Invitae), Labcorp
Classification: Uncertain significance. Last evaluated: 2024-02-19. Review status: criteria provided, single submitter. Criteria: Invitae Variant Classification Sherloc (09022015). Collection method: clinical testing. Allele origin: germline.
Comment: This sequence change replaces alanine, which is neutral and non-polar, with aspartic acid, which is acidic and polar, at codon 44 of the KCNJ13 protein (p.Ala44Asp). This variant is not present in population databases (gnomAD no frequency). This variant has not been reported in the literature in individuals affected with KCNJ13-related conditions. ClinVar contains an entry for this variant (Variation ID: 1494026). Advanced modeling of protein sequence and biophysical properties (such as structural, functional, and spatial information, amino acid conservation, physicochemical variation, residue mobility, and thermodynamic stability) performed at Invitae indicates that this missense variant is not expected to disrupt KCNJ13 protein function with a negative predictive value of 80%. In summary, the available evidence is currently insufficient to determine the role of this variant in disease. Therefore, it has been classified as a Variant of Uncertain Significance.

Blueprint Genetics
Classification: Uncertain significance. Last evaluated: 2021-06-21. Review status: criteria provided, single submitter. Criteria: ACMG Guidelines, 2015. Collection method: clinical testing. Allele origin: germline.

NM_002242.4(KCNJ13):c.131C>A (p.Ala44Asp)

Genes: GIGYF2 (GRB10 interacting GYF protein 2; plus strand), KCNJ13 (potassium inwardly rectifying channel subfamily J member 13; minus strand). Cytogenetic location: 2q37.1.
Variant type: single nucleotide variant.
Coding change: c.131C>A on transcript NM_002242.4 (MANE Select); coding-DNA position 131, C replaced by A.
Protein change: p.Ala44Asp; replaces alanine 44 with aspartic acid.
Molecular consequence: missense variant. On other transcripts: intron variant (5).
Genome position (GRCh38, 1-based): chr2:232,771,232, G>T on the plus strand (C>A on the coding strand, the complement: KCNJ13 is on the minus strand). VCF-style: chr2-232771232-G-T. GRCh37 (hg19) VCF-style: chr2-233635942-G-T.
Other names: c.131C>A, p.Ala44Asp (NM_001172416.1); c.532+9796G>T (NM_001103146.3, NM_015575.4, NM_001103148.2); c.533-5180G>T (NM_001103147.2); c.-23-87C>A (NM_001172417.1); short protein forms A44D.
Identifiers: ClinVar variation 1494026 (VCV001494026.9), dbSNP rs2106339680, ClinGen allele CA351014156.